The following is an entry in ClinVar:

ClinVar aggregate classification (germline): Uncertain significance. Review status: criteria provided, multiple submitters, no conflicts (2 of 4 stars). 2 submissions from 2 submitters: Uncertain significance (2). Last evaluated 2025-08-25.

Conditions:
Inborn genetic diseases. Identifiers: MedGen C0950123, MeSH D030342.

Allele frequency attached by ClinVar (database versions not stated): gnomAD exomes below 0.00001.
gnomAD v4.1: 3 of 1,614,242 alleles (0.00019%); highest among the groups gnomAD compares: East Asian, 0.0067%; no homozygotes.

Submissions (2):

Ambry Genetics
Classification: Uncertain significance for Inborn genetic diseases. Last evaluated: 2025-08-25. Review status: criteria provided, single submitter. Criteria: Ambry Variant Classification Scheme 2023. Collection method: clinical testing. Allele origin: germline.

Labcorp Genetics (formerly Invitae), Labcorp
Classification: Uncertain significance. Last evaluated: 2023-12-26. Review status: criteria provided, single submitter. Criteria: Invitae Variant Classification Sherloc (09022015). Collection method: clinical testing. Allele origin: germline.
Comment: This sequence change replaces glutamine, which is neutral and polar, with arginine, which is basic and polar, at codon 285 of the NLRP1 protein (p.Gln285Arg). This variant is present in population databases (no rsID available, gnomAD 0.006%). This variant has not been reported in the literature in individuals affected with NLRP1-related conditions. ClinVar contains an entry for this variant (Variation ID: 1034807). Algorithms developed to predict the effect of missense changes on protein structure and function output the following: SIFT: "Not Available"; PolyPhen-2: "Benign"; Align-GVGD: "Not Available". The arginine amino acid residue is found in multiple mammalian species, which suggests that this missense change does not adversely affect protein function. In summary, the available evidence is currently insufficient to determine the role of this variant in disease. Therefore, it has been classified as a Variant of Uncertain Significance.

NM_033004.4(NLRP1):c.854A>G (p.Gln285Arg)

Gene: NLRP1 (NLR family pyrin domain containing 1; minus strand). Cytogenetic location: 17p13.2.
Variant type: single nucleotide variant.
Coding change: c.854A>G on transcript NM_033004.4 (MANE Select); coding-DNA position 854, A replaced by G.
Protein change: p.Gln285Arg; replaces glutamine 285 with arginine.
Molecular consequence: missense variant.
Genome position (GRCh38, 1-based): chr17:5,559,842, T>C on the plus strand (A>G on the coding strand, the complement: NLRP1 is on the minus strand). VCF-style: chr17-5559842-T-C. GRCh37 (hg19) VCF-style: chr17-5463162-T-C.
Other names: c.854A>G, p.Gln285Arg (NM_001033053.3, NM_014922.5, NM_033006.4 and 1 more transcripts); c.854A>G (NM_033004.3); short protein forms Q285R.
Identifiers: ClinVar variation 1034807 (VCV001034807.11), dbSNP rs1394944058, ClinGen allele CA397387830.